The following is an entry in ClinVar:

ClinVar aggregate classification (germline): Likely pathogenic. Review status: reviewed by expert panel (3 of 4 stars). 2 submissions from 2 submitters: Likely pathogenic (1). 1 of the submissions does not count toward it. Last evaluated 2020-11-16.

Conditions:
Phenylketonuria (PKU). Also called: Phenylketonurias; Phenylketonuria (PKU); OLIGOPHRENIA PHENYLPYRUVICA; FOLLING DISEASE. Identifiers: Orphanet 716, MedGen C0031485, MONDO:0009861, OMIM 261600. Disease mechanism: loss of function.

Submissions (2):

ClinGen PAH Variant Curation Expert Panel
Classification: Likely pathogenic for Phenylketonuria. Last evaluated: 2020-11-16. Review status: reviewed by expert panel. Criteria: ClinGen PAH ACMG Specifications v1. Collection method: curation. Allele origin: germline. Inheritance: Autosomal recessive inheritance.
Comment: This c.563G>T (p.Gly188Val) variant in PAH was reported in trans with pathogenic variant p.Val399= in 1 patient with PAH deficiency (>120 Î¼mol/L Phe) (PMID: 28982351). Computational evidence for this missense variant is predicted to be damaging (SIFT), probably damaging (PolyPhen2), and disease-causing (MutationTaster). This variant is absent from population databases gnomAD, 1000 Genomes, and ESP. In summary, this variant meets criteria to be classified as likely pathogenic for PAH. PAH-specific ACMG/AMP criteria applied: PM2, PM3, PP3, PP4.

Natera, Inc.
Classification: Likely pathogenic for Phenylketonuria. Last evaluated: 2025-03-11. Review status: criteria provided, single submitter. Criteria: Natera Variant Classification Schema (03/2026). Collection method: clinical testing. Allele origin: germline. Not counted in ClinVar's aggregate classification.
Comment: The c.563G>T variant in PAH is a missense variant predicted to cause substitution of glycine to valine at amino acid 188. This variant is rare in the general population with a frequency below the threshold expected for the associated phenotype(s). This variant has been observed in one or more individuals affected with the associated recessive disease, as either homozygous or compound heterozygous with a second variant (PMID: 28982351). This variant has been identified in one or more affected individuals with a phenotype highly consistent with the associated gene (PMID: 28982351). A different variant at the same position has been determined to be Pathogenic or Likely Pathogenic. Computational prediction algorithms indicate this variant is likely to affect gene or protein function. Given the available evidence, this variant is classified as Likely Pathogenic.

Literature cited by the submitters: PubMed 28982351 (cited by Natera, Inc.).

NM_000277.3(PAH):c.563G>T (p.Gly188Val)

Gene: PAH (phenylalanine hydroxylase; minus strand). Cytogenetic location: 12q23.2.
Variant type: single nucleotide variant.
Coding change: c.563G>T on transcript NM_000277.3 (MANE Select); coding-DNA position 563, G replaced by T.
Protein change: p.Gly188Val; replaces glycine 188 with valine.
Molecular consequence: missense variant.
Genome position (GRCh38, 1-based): chr12:102,855,279, C>A on the plus strand (G>T on the coding strand, the complement: PAH is on the minus strand). VCF-style: chr12-102855279-C-A. GRCh37 (hg19) VCF-style: chr12-103249057-C-A.
Other names: c.563G>T, p.Gly188Val (NM_001354304.2); c.563G>T (NM_000277.2); short protein forms G188V.
Identifiers: ClinVar variation 1065370 (VCV001065370.3), dbSNP rs199475689, ClinGen allele CA386296833.